The following is an entry in ClinVar:

ClinVar aggregate classification (germline): Uncertain significance (1 of 4 stars; one submission).

Allele frequency attached by ClinVar (database versions not stated): gnomAD 0.00001; gnomAD exomes 0.00001 and 0.00003; ExAC 0.00002; TOPMed 0.00002.
gnomAD v4.1: 45 of 1,614,124 alleles (0.0028%); highest among the groups gnomAD compares: South Asian, 0.0066%; no homozygotes.

Submission:

Labcorp Genetics (formerly Invitae), Labcorp
Classification: Uncertain significance. Last evaluated: 2021-06-12. Review status: criteria provided, single submitter. Criteria: Invitae Variant Classification Sherloc (09022015). Collection method: clinical testing. Allele origin: germline.
Comment: In summary, the available evidence is currently insufficient to determine the role of this variant in disease. Therefore, it has been classified as a Variant of Uncertain Significance. Algorithms developed to predict the effect of missense changes on protein structure and function are either unavailable or do not agree on the potential impact of this missense change (SIFT: "Tolerated"; PolyPhen-2: "Probably Damaging"; Align-GVGD: "Class C0"). This variant has not been reported in the literature in individuals with PLXNA2-related conditions. This variant is present in population databases (rs772843861, ExAC 0.006%). This sequence change replaces threonine with isoleucine at codon 1392 of the PLXNA2 protein (p.Thr1392Ile). The threonine residue is highly conserved and there is a moderate physicochemical difference between threonine and isoleucine.

NM_025179.4(PLXNA2):c.4175C>T (p.Thr1392Ile)

Gene: PLXNA2 (plexin A2; minus strand). Cytogenetic location: 1q32.2.
Variant type: single nucleotide variant.
Coding change: c.4175C>T on transcript NM_025179.4 (MANE Select); coding-DNA position 4175, C replaced by T.
Protein change: p.Thr1392Ile; replaces threonine 1392 with isoleucine.
Molecular consequence: missense variant.
Genome position (GRCh38, 1-based): chr1:208,042,209, G>A on the plus strand (C>T on the coding strand, the complement: PLXNA2 is on the minus strand). VCF-style: chr1-208042209-G-A. GRCh37 (hg19) VCF-style: chr1-208215554-G-A.
Other names: short protein forms T1392I.
Identifiers: ClinVar variation 1360454 (VCV001360454.8), dbSNP rs772843861, ClinGen allele CA1372953.
Genomic context (GRCh38, chr1:208,042,209, plus strand): 5'-AGGTCAGAGAGCAGCTGCTTGAGGACATCAGTGGCATATTCCAGGCGGCCCTGCAGGCCG[G>A]TCATGATGAGCGAAGCCACGTTGCCCCGGTCGCGCATGGAGAAACTGCGCTGCAGCTCCA-3'
Protein context (NP_079455.3, residues 1382-1402): DRGNVASLIM[Thr1392Ile]GLQGRLEYAT